The following is an entry in ClinVar:

NM_020937.4(FANCM):c.3436G>T (p.Asp1146Tyr)

Gene: FANCM (FA complementation group M; plus strand). Cytogenetic location: 14q21.2.
Variant type: single nucleotide variant.
Coding change: c.3436G>T on transcript NM_020937.4 (MANE Select); coding-DNA position 3436, G replaced by T.
Protein change: p.Asp1146Tyr; replaces aspartic acid 1146 with tyrosine.
Molecular consequence: missense variant.
Genome position (GRCh38, 1-based): chr14:45,176,190, G>T. VCF-style: chr14-45176190-G-T. GRCh37 (hg19) VCF-style: chr14-45645393-G-T.
Other names: c.3358G>T, p.Asp1120Tyr (NM_001308133.2); short protein forms D1146Y, D1120Y.
Identifiers: ClinVar variation 4022661 (VCV004022661.1).

ClinVar aggregate classification (germline): Uncertain significance (1 of 4 stars; one submission).

Conditions:
Inborn genetic diseases. Identifiers: MedGen C0950123, MeSH D030342.

Submission:

Ambry Genetics
Classification: Uncertain significance for Inborn genetic diseases. Last evaluated: 2025-04-06. Review status: criteria provided, single submitter. Criteria: Ambry Variant Classification Scheme 2023. Collection method: clinical testing. Allele origin: germline.
Comment: The p.D1146Y variant (also known as c.3436G>T), located in coding exon 14 of the FANCM gene, results from a G to T substitution at nucleotide position 3436. The aspartic acid at codon 1146 is replaced by tyrosine, an amino acid with highly dissimilar properties. This amino acid position is conserved. In addition, this alteration is predicted to be tolerated by in silico analysis. Based on the available evidence, the clinical significance of this variant remains unclear.